The following is an entry in ClinVar:

ClinVar aggregate classification (germline): Uncertain significance (1 of 4 stars; one submission).

Conditions:
Congenital hyperammonemia, type I. Also called: Carbamoyl phosphate synthetase 1 deficiency; Hyperammonemia due to carbamoyl phosphate synthetase 1 deficiency; CPS 1 deficiency; Carbamyl phosphate synthetase (CPS) deficiency; Carbamoyl-phosphate synthase I deficiency; Carbamoyl phosphate synthetase I deficiency disease. Identifiers: Orphanet 147, MedGen C4082171, MONDO:0009376, OMIM 237300.

gnomAD v4.1: 1 of 1,612,292 alleles (0.000062%); highest among the groups gnomAD compares: Non-Finnish European, 0.000085%; no homozygotes.

Submission:

Labcorp Genetics (formerly Invitae), Labcorp
Classification: Uncertain significance for Congenital hyperammonemia, type I. Last evaluated: 2023-05-23. Review status: criteria provided, single submitter. Criteria: Invitae Variant Classification Sherloc (09022015). Collection method: clinical testing. Allele origin: germline.
Comment: In summary, the available evidence is currently insufficient to determine the role of this variant in disease. Therefore, it has been classified as a Variant of Uncertain Significance. Advanced modeling of protein sequence and biophysical properties (such as structural, functional, and spatial information, amino acid conservation, physicochemical variation, residue mobility, and thermodynamic stability) performed at Invitae indicates that this missense variant is not expected to disrupt CPS1 protein function. ClinVar contains an entry for this variant (Variation ID: 2174027). This variant has not been reported in the literature in individuals affected with CPS1-related conditions. This variant is not present in population databases (gnomAD no frequency). This sequence change replaces valine, which is neutral and non-polar, with leucine, which is neutral and non-polar, at codon 460 of the CPS1 protein (p.Val460Leu).

NM_001875.5(CPS1):c.1378G>C (p.Val460Leu)

Gene: CPS1 (carbamoyl-phosphate synthase 1; plus strand). Cytogenetic location: 2q34.
Variant type: single nucleotide variant.
Coding change: c.1378G>C on transcript NM_001875.5 (MANE Select); coding-DNA position 1378, G replaced by C.
Protein change: p.Val460Leu; replaces valine 460 with leucine.
Molecular consequence: missense variant. On other transcripts: non-coding transcript variant (2).
Genome position (GRCh38, 1-based): chr2:210,599,390, G>C. VCF-style: chr2-210599390-G-C. GRCh37 (hg19) VCF-style: chr2-211464114-G-C.
Other names: c.1378G>C, p.Val460Leu (NM_001122633.3, NM_001369257.1); c.1411G>C, p.Val471Leu (NM_001369256.1); short protein forms V460L, V471L.
Identifiers: ClinVar variation 2174027 (VCV002174027.4), dbSNP rs1252245982, ClinGen allele CA350435133.